The following is an entry in ClinVar:

NM_001110556.2(FLNA):c.2965C>A (p.Gln989Lys)

Gene: FLNA (filamin A; minus strand). Cytogenetic location: Xq28.
Variant type: single nucleotide variant.
Coding change: c.2965C>A on transcript NM_001110556.2 (MANE Select); coding-DNA position 2965, C replaced by A.
Protein change: p.Gln989Lys; replaces glutamine 989 with lysine.
Molecular consequence: missense variant.
Genome position (GRCh38, 1-based): chrX:154,361,550, G>T on the plus strand (C>A on the coding strand, the complement: FLNA is on the minus strand). VCF-style: chrX-154361550-G-T. GRCh37 (hg19) VCF-style: chrX-153589918-G-T.
Other names: c.2965C>A, p.Gln989Lys (NM_001456.4); short protein forms Q989K.
Identifiers: ClinVar variation 533572 (VCV000533572.10), dbSNP rs1557178045, ClinGen allele CA415231130.

ClinVar aggregate classification (germline): Uncertain significance (1 of 4 stars; one submission).

Conditions:
Melnick-Needles syndrome (MNS). Also called: MELNICK-NEEDLES OSTEODYSPLASTY; Melnick-Needles Syndrome (FLNA-MNS); OSTEODYSPLASTY OF MELNICK AND NEEDLES. Identifiers: Orphanet 2484, MedGen C0025237, MONDO:0010650, OMIM 309350.
Frontometaphyseal dysplasia (FMD1). Identifiers: Orphanet 1826, MedGen C0265293, MONDO:0015942.
Heterotopia, periventricular, X-linked dominant (PVNH1). Also called: PERIVENTRICULAR NODULAR HETEROTOPIA 4; HETEROTOPIA, PERIVENTRICULAR, 1; PERIVENTRICULAR NODULAR HETEROTOPIA 1; X-linked periventricular heterotopia. Identifiers: Orphanet 2149, Orphanet 82004, MedGen C1848213, MONDO:0010233, OMIM 300049.
Oto-palato-digital syndrome, type II (OPD2). Also called: Otopalatodigital Syndrome Type 2 (FLNA-OPD2); FACIOPALATOOSSEOUS SYNDROME; OPD II SYNDROME; Otopalatodigital Syndrome, Type II. Identifiers: Orphanet 669, Orphanet 90652, MedGen C1844696, MONDO:0010571, OMIM 304120.

Submission:

Labcorp Genetics (formerly Invitae), Labcorp
Classification: Uncertain significance for Oto-palato-digital syndrome, type II; Heterotopia, periventricular, X-linked dominant; Frontometaphyseal dysplasia; Melnick-Needles syndrome. Last evaluated: 2017-12-21. Review status: criteria provided, single submitter. Criteria: Invitae Variant Classification Sherloc (09022015). Collection method: clinical testing. Allele origin: germline.
Comment: In summary, the available evidence is currently insufficient to determine the role of this variant in disease. Therefore, it has been classified as a Variant of Uncertain Significance. Algorithms developed to predict the effect of missense changes on protein structure and function (SIFT, PolyPhen-2, Align-GVGD) all suggest that this variant is likely to be disruptive, but these predictions have not been confirmed by published functional studies and their clinical significance is uncertain. This variant has not been reported in the literature in individuals with FLNA-related disease. This variant is not present in population databases (ExAC no frequency). This sequence change replaces glutamine with lysine at codon 989 of the FLNA protein (p.Gln989Lys). The glutamine residue is highly conserved and there is a small physicochemical difference between glutamine and lysine.